The following is an entry in ClinVar:

ClinVar aggregate classification (germline): Conflicting classifications of pathogenicity. Review status: criteria provided, conflicting classifications (1 of 4 stars). 2 submissions from 2 submitters: Uncertain significance (1); Likely benign (1). Last evaluated 2023-01-01.

Conditions:
Bardet-Biedl syndrome 4 (BBS4). Identifiers: Orphanet 110, MedGen C2936864, MONDO:0014433, OMIM 615982.

Allele frequency attached by ClinVar (database versions not stated): 1000 Genomes Project 30x 0.00187; 1000 Genomes Project 0.00200; ExAC 0.00208; TOPMed 0.00434; gnomAD exomes 0.00530 and 0.00592; gnomAD 0.00564 and 0.00586.
gnomAD v4.1: 2,641 of 451,370 alleles (0.59%); highest among the groups gnomAD compares: Non-Finnish European, 0.8%; 19 homozygotes.

Submissions (2):

CeGaT Center for Human Genetics Tuebingen
Classification: Likely benign. Last evaluated: 2023-01-01. Review status: criteria provided, single submitter. Criteria: CeGaT Center For Human Genetics Tuebingen Variant Classification Criteria Version 2. Collection method: clinical testing. Allele origin: germline. Affected: yes. Observed: 1 variant allele.
Comment: BBS4: BS2

Illumina Laboratory Services, Illumina
Classification: Uncertain significance for Bardet-Biedl syndrome 4. Last evaluated: 2018-01-13. Review status: criteria provided, single submitter. Criteria: ICSL Variant Classification Criteria 13 December 2019. Collection method: clinical testing. Allele origin: germline.

NM_033028.5(BBS4):c.*611C>T

Gene: BBS4 (Bardet-Biedl syndrome 4; plus strand). Cytogenetic location: 15q24.1.
Variant type: single nucleotide variant.
Coding change: c.*611C>T on transcript NM_033028.5 (MANE Select); 611 bases downstream of the stop codon, C replaced by T.
Molecular consequence: 3 prime UTR variant. On other transcripts: non-coding transcript variant (2).
Genome position (GRCh38, 1-based): chr15:72,738,198, C>T. VCF-style: chr15-72738198-C-T. GRCh37 (hg19) VCF-style: chr15-73030539-C-T.
Other names: c.*611C>T (NM_001252678.2, NM_001320665.2).
Identifiers: ClinVar variation 317074 (VCV000317074.29), dbSNP rs41277724, ClinGen allele CA7647120.
Genomic context (GRCh38, chr15:72,738,198, plus strand): 5'-AGTATTGCAGCTGCATTTGCCCAAAGGGAATCCAGAACAAGTCCCTCCCTGTATTTTGTT[C>T]TTGAGAGGGGTCAGTCTAGAAGCTAGATCCTATCAGGATGAGGAGCAGCAGCCCAGGGCT-3'